The following is an entry in ClinVar:

NM_001042492.3(NF1):c.1981G>A (p.Gly661Arg)

Gene: NF1 (neurofibromin 1; plus strand). Cytogenetic location: 17q11.2.
Variant type: single nucleotide variant.
Coding change: c.1981G>A on transcript NM_001042492.3 (MANE Select); coding-DNA position 1981, G replaced by A.
Protein change: p.Gly661Arg; replaces glycine 661 with arginine.
Molecular consequence: missense variant.
Genome position (GRCh38, 1-based): chr17:31,225,230, G>A. VCF-style: chr17-31225230-G-A. GRCh37 (hg19) VCF-style: chr17-29552248-G-A.
Other names: c.1981G>A, p.Gly661Arg (NM_000267.4); short protein forms G661R.
Identifiers: ClinVar variation 1011493 (VCV001011493.8), dbSNP rs2066993430, ClinGen allele CA399005586.
Genomic context (GRCh38, chr17:31,225,230, plus strand): 5'-AGTCAAATGTCCATGGATCATGAAGAATTACTACGTACTCCTGGAGCCTCTCTCCGGAAG[G>A]GAAAAGGGAACTCCTCTATGGTCAGCTTCTTCTGTACTTTTTCTGTATCATTTTATGTGC-3'
Protein context (NP_001035957.1, residues 651-671): LRTPGASLRK[Gly661Arg]KGNSSMDSAA

ClinVar aggregate classification (germline): Uncertain significance. Review status: criteria provided, multiple submitters, no conflicts (2 of 4 stars). 3 submissions from 3 submitters: Uncertain significance (3). Last evaluated 2023-06-16.

Conditions:
Hereditary cancer-predisposing syndrome. Also called: Tumor predisposition; Hereditary Cancer Syndrome; Neoplastic Syndromes, Hereditary; Hereditary neoplastic syndrome. Identifiers: Orphanet 140162, MedGen C0027672, MeSH D009386, MONDO:0015356.
Cardiovascular phenotype. Identifiers: MedGen CN230736.
Juvenile myelomonocytic leukemia (JMML). Also called: LEUKEMIA, JUVENILE MYELOMONOCYTIC, SOMATIC. Identifiers: Orphanet 86834, MedGen C0349639, MONDO:0011908, OMIM 607785, HP:0012209.
Neurofibromatosis, type 1 (NF1). Also called: VON RECKLINGHAUSEN DISEASE; Neurofibromatosis, type I; NEUROFIBROMATOSIS, TYPE I, SOMATIC; Peripheral type neurofibromatosis. Identifiers: Orphanet 636, MedGen C0027831, MONDO:0018975, OMIM 162200. Disease mechanism: loss of function.

Submissions (3):

Labcorp Genetics (formerly Invitae), Labcorp
Classification: Uncertain significance for Neurofibromatosis, type 1. Last evaluated: 2023-06-16. Review status: criteria provided, single submitter. Criteria: Invitae Variant Classification Sherloc (09022015). Collection method: clinical testing. Allele origin: germline.
Comment: ClinVar contains an entry for this variant (Variation ID: 1011493). In summary, the available evidence is currently insufficient to determine the role of this variant in disease. Therefore, it has been classified as a Variant of Uncertain Significance. Advanced modeling of protein sequence and biophysical properties (such as structural, functional, and spatial information, amino acid conservation, physicochemical variation, residue mobility, and thermodynamic stability) performed at Invitae indicates that this missense variant is not expected to disrupt NF1 protein function. This variant has not been reported in the literature in individuals affected with NF1-related conditions. This variant is not present in population databases (gnomAD no frequency). This sequence change replaces glycine, which is neutral and non-polar, with arginine, which is basic and polar, at codon 661 of the NF1 protein (p.Gly661Arg).

Baylor Genetics
Classification: Uncertain significance for Juvenile myelomonocytic leukemia. Last evaluated: 2023-05-17. Review status: criteria provided, single submitter. Criteria: ACMG Guidelines, 2015. Collection method: clinical testing. Allele origin: unknown.

Ambry Genetics
Classification: Uncertain significance for Cardiovascular phenotype; Hereditary cancer-predisposing syndrome. Last evaluated: 2020-10-22. Review status: criteria provided, single submitter. Criteria: Ambry Variant Classification Scheme 2023. Collection method: clinical testing. Allele origin: germline.
Comment: The p.G661R variant (also known as c.1981G>A), located in coding exon 17 of the NF1 gene, results from a G to A substitution at nucleotide position 1981. The glycine at codon 661 is replaced by arginine, an amino acid with dissimilar properties. This amino acid position is well conserved in available vertebrate species. In addition, this alteration is predicted to be tolerated by in silico analysis. Since supporting evidence is limited at this time, the clinical significance of this alteration remains unclear.